The following is an entry in ClinVar:

ClinVar aggregate classification (germline): Pathogenic. Review status: criteria provided, multiple submitters, no conflicts (2 of 4 stars). 2 submissions from 2 submitters: Pathogenic (2). Last evaluated 2024-11-11.

Conditions:
Neurofibromatosis, type 1 (NF1). Also called: Peripheral type neurofibromatosis; Neurofibromatosis, type I; NEUROFIBROMATOSIS, TYPE I, SOMATIC; VON RECKLINGHAUSEN DISEASE. Identifiers: Orphanet 636, MedGen C0027831, MONDO:0018975, OMIM 162200. Disease mechanism: loss of function.

Submissions (2):

NHS Central & South Genomic Laboratory Hub
Classification: Pathogenic for Neurofibromatosis type 1. Last evaluated: 2024-11-11. Review status: criteria provided, single submitter. Criteria: ACMG Guidelines, 2015. Collection method: clinical testing. Allele origin: germline. Affected: yes.

GeneDx
Classification: Pathogenic. Last evaluated: 2024-05-24. Review status: criteria provided, single submitter. Criteria: GeneDx Variant Classification Process June 2021. Collection method: clinical testing. Allele origin: germline.
Comment: Nonsense variant predicted to result in protein truncation or nonsense mediated decay in a gene for which loss of function is a known mechanism of disease; Not observed at significant frequency in large population cohorts (gnomAD); Has not been previously published as pathogenic or benign to our knowledge

NM_001042492.3(NF1):c.5203G>T (p.Glu1735Ter)

Gene: NF1 (neurofibromin 1; plus strand). Cytogenetic location: 17q11.2.
Variant type: single nucleotide variant.
Coding change: c.5203G>T on transcript NM_001042492.3 (MANE Select); coding-DNA position 5203, G replaced by T.
Protein change: p.Glu1735Ter; replaces glutamic acid 1735 with a stop codon.
Molecular consequence: nonsense.
Genome position (GRCh38, 1-based): chr17:31,326,187, G>T. VCF-style: chr17-31326187-G-T. GRCh37 (hg19) VCF-style: chr17-29653205-G-T.
Other names: c.5140G>T, p.Glu1714Ter (NM_000267.4); short protein forms E1714*, E1735*.
Identifiers: ClinVar variation 1702707 (VCV001702707.4), dbSNP rs2151538896, ClinGen allele CA399008101.